The following is an entry in ClinVar:

ClinVar aggregate classification (germline): Likely pathogenic (1 of 4 stars; one submission).

Allele frequency attached by ClinVar (database versions not stated): gnomAD exomes below 0.00001; ExAC 0.00002.
gnomAD v4.1: 3 of 1,606,822 alleles (0.00019%); highest among the groups gnomAD compares: East Asian, 0.0022%; no homozygotes.

Submission:

GeneDx
Classification: Likely pathogenic. Last evaluated: 2015-07-27. Review status: criteria provided, single submitter. Criteria: GeneDx Variant Classification (06012015). Collection method: clinical testing. Allele origin: germline. Affected: yes.
Comment: The L445R variant in the SLC52A3 gene has not been published as a pathogenic variant, nor has it been reported as a benign polymorphism to our knowledge. The L445R variant was not observed in approximately 6400 individuals of European and African American ancestry in the NHLBI Exome Sequencing Project, indicating it is not a common benign variant in these populations. The L445R variant is a non-conservative amino acid substitution, within the helical transmembrane domain, which occurs at a position where amino acids with similar properties to Leucine are tolerated across species. Therefore, in silico analysis predicts this variant is probably damaging to the protein structure/function. The L445R variant is a strong candidate for a disease-causing variant, however the possibility it may be a rare benign variant cannot be excluded.

NM_033409.4(SLC52A3):c.1334T>G (p.Leu445Arg)

Gene: SLC52A3 (solute carrier family 52 member 3; minus strand). Cytogenetic location: 20p13.
Variant type: single nucleotide variant.
Coding change: c.1334T>G on transcript NM_033409.4 (MANE Select); coding-DNA position 1334, T replaced by G.
Protein change: p.Leu445Arg; replaces leucine 445 with arginine.
Molecular consequence: missense variant.
Genome position (GRCh38, 1-based): chr20:761,102, A>C on the plus strand (T>G on the coding strand, the complement: SLC52A3 is on the minus strand). VCF-style: chr20-761102-A-C. GRCh37 (hg19) VCF-style: chr20-741746-A-C.
Other names: c.1334T>G, p.Leu445Arg (NM_001370085.1, NM_001370086.1); short protein forms L445R.
Identifiers: ClinVar variation 429375 (VCV000429375.2), dbSNP rs761224042, ClinGen allele CA9724518.
Genomic context (GRCh38, chr20:761,102, plus strand): 5'-AGATTGCAGAAGTCCGCGGACGAGAAGAGCCGCAGCACGTTGACCAGAGGGAACATGAGC[A>C]GCGCTCCGAGCAGCGAGCCCAGCTGCACCGCCGCCCCGCACCACAAGAGGGCGCTGCGGC-3'
Protein context (NP_212134.3, residues 435-455): AVQLGSLLGA[Leu445Arg]LMFPLVNVLR